The following is an entry in ClinVar:

ClinVar aggregate classification (germline): Pathogenic (1 of 4 stars; one submission).

Conditions:
Joubert syndrome. Also called: CEREBELLOPARENCHYMAL DISORDER IV; JOUBERT-BOLTSHAUSER SYNDROME; Familial aplasia of the vermis. Identifiers: Orphanet 475, MedGen C5979921, MONDO:0018772.

Submission:

Labcorp Genetics (formerly Invitae), Labcorp
Classification: Pathogenic for Joubert syndrome. Last evaluated: 2021-10-15. Review status: criteria provided, single submitter. Criteria: Invitae Variant Classification Sherloc (09022015). Collection method: clinical testing. Allele origin: germline.
Comment: For these reasons, this variant has been classified as Pathogenic. Advanced modeling of protein sequence and biophysical properties (such as structural, functional, and spatial information, amino acid conservation, physicochemical variation, residue mobility, and thermodynamic stability) performed at Invitae indicates that this missense variant is expected to disrupt INPP5E protein function. This missense change has been observed in individual(s) with INPP5E-related conditions (Invitae). This variant is not present in population databases (ExAC no frequency). This sequence change replaces cysteine with glycine at codon 576 of the INPP5E protein (p.Cys576Gly). The cysteine residue is highly conserved and there is a large physicochemical difference between cysteine and glycine.

NM_019892.6(INPP5E):c.1726T>G (p.Cys576Gly)

Gene: INPP5E (inositol polyphosphate-5-phosphatase E; minus strand). Cytogenetic location: 9q34.3.
Variant type: single nucleotide variant.
Coding change: c.1726T>G on transcript NM_019892.6 (MANE Select); coding-DNA position 1726, T replaced by G.
Protein change: p.Cys576Gly; replaces cysteine 576 with glycine.
Molecular consequence: missense variant.
Genome position (GRCh38, 1-based): chr9:136,430,353, A>C on the plus strand (T>G on the coding strand, the complement: INPP5E is on the minus strand). VCF-style: chr9-136430353-A-C. GRCh37 (hg19) VCF-style: chr9-139324805-A-C.
Other names: c.1723T>G, p.Cys575Gly (NM_001318502.2); short protein forms C575G, C576G.
Identifiers: ClinVar variation 1444511 (VCV001444511.6), dbSNP rs2131604859, ClinGen allele CA375561287.
Genomic context (GRCh38, chr9:136,430,353, plus strand): 5'-TCACTTTCACCCGGAAGAGGCCATACACAGGGCGGTGGTCGGACGTCTTGATCCCGGGGC[A>C]GGAAGAGTAGCTCACAGGACAGATGTCACCCTTGTGGCGGCTTCTGTACAAGACGCGGTC-3'
Protein context (NP_063945.2, residues 566-586): GDICPVSYSS[Cys576Gly]PGIKTSDHRP